The following is an entry in ClinVar:

NM_181672.3(OGT):c.2483T>C (p.Ile828Thr)

Gene: OGT (O-linked N-acetylglucosamine (GlcNAc) transferase; plus strand). Cytogenetic location: Xq13.1.
Variant type: single nucleotide variant.
Coding change: c.2483T>C on transcript NM_181672.3 (MANE Select); coding-DNA position 2483, T replaced by C.
Protein change: p.Ile828Thr; replaces isoleucine 828 with threonine.
Molecular consequence: missense variant.
Genome position (GRCh38, 1-based): chrX:71,564,647, T>C. VCF-style: chrX-71564647-T-C. GRCh37 (hg19) VCF-style: chrX-70784497-T-C.
Other names: c.2453T>C, p.Ile818Thr (NM_181673.3); short protein forms I818T, I828T.
Identifiers: ClinVar variation 3764464 (VCV003764464.1).
Genomic context (GRCh38, chrX:71,564,647, plus strand): 5'-TTTTCTTGTTCTAGATCAACAATAAGGCTGCAACTGGAGAGGAGGTTCCCCGTACCATTA[T>C]TGTAACCACCCGTTCTCAGTACGGGTTACCAGAAGATGCCATCGTATACTGTAACTTTAA-3'
Protein context (NP_858058.1, residues 818-838): ATGEEVPRTI[Ile828Thr]VTTRSQYGLP

ClinVar aggregate classification (germline): Uncertain significance (1 of 4 stars; one submission).

Submission:

GeneDx
Classification: Uncertain significance. Last evaluated: 2024-08-20. Review status: criteria provided, single submitter. Criteria: GeneDx Variant Classification Process June 2021. Collection method: clinical testing. Allele origin: germline. Affected: yes.
Comment: Not observed at significant frequency in large population cohorts (gnomAD); In silico analysis indicates that this missense variant does not alter protein structure/function; Has not been previously published as pathogenic or benign to our knowledge